The following is an entry in ClinVar:

ClinVar aggregate classification (germline): Uncertain significance (1 of 4 stars; one submission).

Conditions:
Combined immunodeficiency due to STK4 deficiency (IMD110). Also called: T-cell immunodeficiency, recurrent infections, and autoimmunity with or without cardiac malformations; STK4 DEFICIENCY; MST1 DEFICIENCY. Identifiers: Orphanet 314689, MedGen C3553943, MONDO:0013934, OMIM 614868.

Allele frequency attached by ClinVar (database versions not stated): gnomAD 0.00001; gnomAD exomes 0.00001; TOPMed 0.00002; ESP Exome Variant Server 0.00008.

Submission:

Labcorp Genetics (formerly Invitae), Labcorp
Classification: Uncertain significance for Combined immunodeficiency due to STK4 deficiency. Last evaluated: 2023-12-30. Review status: criteria provided, single submitter. Criteria: Invitae Variant Classification Sherloc (09022015). Collection method: clinical testing. Allele origin: germline.
Comment: This sequence change replaces proline, which is neutral and non-polar, with serine, which is neutral and polar, at codon 247 of the STK4 protein (p.Pro247Ser). This variant is present in population databases (rs368707737, gnomAD 0.01%). This variant has not been reported in the literature in individuals affected with STK4-related conditions. ClinVar contains an entry for this variant (Variation ID: 1059736). Advanced modeling of protein sequence and biophysical properties (such as structural, functional, and spatial information, amino acid conservation, physicochemical variation, residue mobility, and thermodynamic stability) performed at Invitae indicates that this missense variant is not expected to disrupt STK4 protein function with a negative predictive value of 95%. In summary, the available evidence is currently insufficient to determine the role of this variant in disease. Therefore, it has been classified as a Variant of Uncertain Significance.

NM_006282.5(STK4):c.739C>T (p.Pro247Ser)

Gene: STK4 (serine/threonine kinase 4; plus strand). Cytogenetic location: 20q13.12.
Variant type: single nucleotide variant.
Coding change: c.739C>T on transcript NM_006282.5 (MANE Select); coding-DNA position 739, C replaced by T.
Protein change: p.Pro247Ser; replaces proline 247 with serine.
Molecular consequence: missense variant.
Genome position (GRCh38, 1-based): chr20:44,997,214, C>T. VCF-style: chr20-44997214-C-T. GRCh37 (hg19) VCF-style: chr20-43625855-C-T.
Other names: c.739C>T, p.Pro247Ser (NM_001352385.2); short protein forms P247S.
Identifiers: ClinVar variation 1059736 (VCV001059736.7), dbSNP rs368707737, ClinGen allele CA315489888.